The following is an entry in ClinVar:

ClinVar aggregate classification (germline): Uncertain significance (1 of 4 stars; one submission).

Conditions:
Charcot-Marie-Tooth disease type 4. Also called: Charcot-Marie-Tooth disease, type IV; Charcot-Marie-Tooth, Type 4. Identifiers: Orphanet 64749, MedGen C4082197, MONDO:0018995.

Submission:

Labcorp Genetics (formerly Invitae), Labcorp
Classification: Uncertain significance for Charcot-Marie-Tooth disease type 4. Last evaluated: 2018-06-11. Review status: criteria provided, single submitter. Criteria: Invitae Variant Classification Sherloc (09022015). Collection method: clinical testing. Allele origin: germline.
Comment: Algorithms developed to predict the effect of missense changes on protein structure and function (SIFT, PolyPhen-2, Align-GVGD) all suggest that this variant is likely to be tolerated, but these predictions have not been confirmed by published functional studies and their clinical significance is uncertain. This sequence change replaces aspartic acid with glutamic acid at codon 138 of the FIG4 protein (p.Asp138Glu). The aspartic acid residue is moderately conserved and there is a small physicochemical difference between aspartic acid and glutamic acid. This variant is not present in population databases (ExAC no frequency). This variant has not been reported in the literature in individuals with FIG4-related disease. In summary, the available evidence is currently insufficient to determine the role of this variant in disease. Therefore, it has been classified as a Variant of Uncertain Significance.

NM_014845.6(FIG4):c.414T>A (p.Asp138Glu)

Gene: FIG4 (FIG4 phosphoinositide 5-phosphatase; plus strand). Cytogenetic location: 6q21.
Variant type: single nucleotide variant.
Coding change: c.414T>A on transcript NM_014845.6 (MANE Select); coding-DNA position 414, T replaced by A.
Protein change: p.Asp138Glu; replaces aspartic acid 138 with glutamic acid.
Molecular consequence: missense variant.
Genome position (GRCh38, 1-based): chr6:109,727,233, T>A. VCF-style: chr6-109727233-T-A. GRCh37 (hg19) VCF-style: chr6-110048436-T-A.
Other names: short protein forms D138E.
Identifiers: ClinVar variation 572494 (VCV000572494.8), dbSNP rs1562648534, ClinGen allele CA365217270.